The following is an entry in ClinVar:

ClinVar aggregate classification (germline): Uncertain significance (1 of 4 stars; one submission).

Submission:

Athena Diagnostics
Classification: Uncertain significance. Last evaluated: 2024-12-31. Review status: criteria provided, single submitter. Criteria: Athena Diagnostics Criteria. Collection method: clinical testing. Allele origin: unknown.
Comment: Available data are insufficient to determine the clinical significance of the variant at this time. This variant is located in a genomic region of low or unreliable sequencing quality, and therefore estimations of its population frequency are uninformative in assessment of variant pathogenicity. Computational tools yielded predictions that this variant is unlikely to have an effect on normal RNA splicing.

Literature cited by the submitters: PubMed 29035424.

NM_000500.9(CYP21A2):c.1223-18C>A

Genes: CYP21A2 (cytochrome P450 family 21 subfamily A member 2; plus strand), LOC106780800 (CYP21A2 recombination region; plus strand). Cytogenetic location: 6p21.33.
Variant type: single nucleotide variant.
Coding change: c.1223-18C>A on transcript NM_000500.9 (MANE Select); 18 bases into the intron before coding-DNA position 1223, C replaced by A.
Molecular consequence: intron variant.
Genome position (GRCh38, 1-based): chr6:32,040,851, C>A. VCF-style: chr6-32040851-C-A. GRCh37 (hg19) VCF-style: chr6-32008628-C-A.
Other names: c.818-18C>A (NM_001368143.2, NM_001368144.2); c.1133-18C>A (NM_001128590.4).
Identifiers: ClinVar variation 4682393 (VCV004682393.1).